The following is an entry in ClinVar:

NM_012414.4(RAB3GAP2):c.284A>G (p.Gln95Arg)

Gene: RAB3GAP2 (RAB3 GTPase activating non-catalytic protein subunit 2; minus strand). Cytogenetic location: 1q41.
Variant type: single nucleotide variant.
Coding change: c.284A>G on transcript NM_012414.4 (MANE Select); coding-DNA position 284, A replaced by G.
Protein change: p.Gln95Arg; replaces glutamine 95 with arginine.
Molecular consequence: missense variant.
Genome position (GRCh38, 1-based): chr1:220,213,876, T>C on the plus strand (A>G on the coding strand, the complement: RAB3GAP2 is on the minus strand). VCF-style: chr1-220213876-T-C. GRCh37 (hg19) VCF-style: chr1-220387218-T-C.
Other names: short protein forms Q95R.
Identifiers: ClinVar variation 1019454 (VCV001019454.8), dbSNP rs1659133093, ClinGen allele CA344730972.

ClinVar aggregate classification (germline): Uncertain significance (1 of 4 stars; one submission).

Conditions:
Martsolf syndrome (MARTS). Also called: Congenital cataract with intellectual disability and hypogonadotropic hypogonadism syndrome. Identifiers: Orphanet 1387, MedGen C0796037, MONDO:0023910.
Warburg micro syndrome 2 (WARBM2). Also called: MICRO SYNDROME 2. Identifiers: Orphanet 2510, MedGen C3280214, MONDO:0013641, OMIM 614225.

Allele frequency attached by ClinVar (database versions not stated): gnomAD exomes below 0.00001.
gnomAD v4.1: 6 of 1,613,470 alleles (0.00037%); highest among the groups gnomAD compares: Non-Finnish European, 0.00051%; no homozygotes.

Submission:

Labcorp Genetics (formerly Invitae), Labcorp
Classification: Uncertain significance for Martsolf syndrome; Warburg micro syndrome 2. Last evaluated: 2018-06-01. Review status: criteria provided, single submitter. Criteria: Invitae Variant Classification Sherloc (09022015). Collection method: clinical testing. Allele origin: germline.
Comment: Algorithms developed to predict the effect of missense changes on protein structure and function (SIFT, PolyPhen-2, Align-GVGD) all suggest that this variant is likely to be tolerated, but these predictions have not been confirmed by published functional studies and their clinical significance is uncertain. In summary, the available evidence is currently insufficient to determine the role of this variant in disease. Therefore, it has been classified as a Variant of Uncertain Significance. This sequence change replaces glutamine with arginine at codon 95 of the RAB3GAP2 protein (p.Gln95Arg). The glutamine residue is moderately conserved and there is a small physicochemical difference between glutamine and arginine. This variant is not present in population databases (ExAC no frequency). This variant has not been reported in the literature in individuals with RAB3GAP2-related disease.